The following is an entry in ClinVar:

NM_005228.5(EGFR):c.3020T>C (p.Met1007Thr)

Gene: EGFR (epidermal growth factor receptor; plus strand). Cytogenetic location: 7p11.2.
Variant type: single nucleotide variant.
Coding change: c.3020T>C on transcript NM_005228.5 (MANE Select); coding-DNA position 3020, T replaced by C.
Protein change: p.Met1007Thr; replaces methionine 1007 with threonine.
Molecular consequence: missense variant.
Genome position (GRCh38, 1-based): chr7:55,201,261, T>C. VCF-style: chr7-55201261-T-C. GRCh37 (hg19) VCF-style: chr7-55268954-T-C.
Other names: c.2885T>C, p.Met962Thr (NM_001346897.2, NM_001346899.2); c.3020T>C, p.Met1007Thr (NM_001346898.2); c.2861T>C, p.Met954Thr (NM_001346900.2); c.2219T>C, p.Met740Thr (NM_001346941.2); short protein forms M740T, M962T, M1007T, M954T.
Identifiers: ClinVar variation 1989295 (VCV001989295.5), dbSNP rs1787835111, ClinGen allele CA367582497.

ClinVar aggregate classification (germline): Uncertain significance. Review status: criteria provided, multiple submitters, no conflicts (2 of 4 stars). 2 submissions from 2 submitters: Uncertain significance (2). Last evaluated 2025-05-21.

Conditions:
Hereditary cancer-predisposing syndrome. Also called: Tumor predisposition; Hereditary Cancer Syndrome; Hereditary neoplastic syndrome; Neoplastic Syndromes, Hereditary. Identifiers: Orphanet 140162, MedGen C0027672, MeSH D009386, MONDO:0015356.
EGFR-related lung cancer (EGFR). Identifiers: MedGen CN130014.

Allele frequency attached by ClinVar (database versions not stated): gnomAD exomes below 0.00001; gnomAD 0.00001.

Submissions (2):

Labcorp Genetics (formerly Invitae), Labcorp
Classification: Uncertain significance for EGFR-related lung cancer. Last evaluated: 2025-05-21. Review status: criteria provided, single submitter. Criteria: Invitae Variant Classification Sherloc (09022015). Collection method: clinical testing. Allele origin: germline.
Comment: This sequence change replaces methionine, which is neutral and non-polar, with threonine, which is neutral and polar, at codon 1007 of the EGFR protein (p.Met1007Thr). This variant is not present in population databases (gnomAD no frequency). This variant has not been reported in the literature in individuals affected with EGFR-related conditions. ClinVar contains an entry for this variant (Variation ID: 1989295). Invitae Evidence Modeling of protein sequence and biophysical properties (such as structural, functional, and spatial information, amino acid conservation, physicochemical variation, residue mobility, and thermodynamic stability) indicates that this missense variant is not expected to disrupt EGFR protein function with a negative predictive value of 80%. In summary, the available evidence is currently insufficient to determine the role of this variant in disease. Therefore, it has been classified as a Variant of Uncertain Significance.

Ambry Genetics
Classification: Uncertain significance for Hereditary cancer-predisposing syndrome. Last evaluated: 2025-04-02. Review status: criteria provided, single submitter. Criteria: Ambry Variant Classification Scheme 2023. Collection method: clinical testing. Allele origin: germline.
Comment: The p.M1007T variant (also known as c.3020T>C), located in coding exon 25 of the EGFR gene, results from a T to C substitution at nucleotide position 3020. The methionine at codon 1007 is replaced by threonine, an amino acid with similar properties. This amino acid position is well conserved in available vertebrate species. In addition, this alteration is predicted to be tolerated by in silico analysis. Based on the available evidence, the clinical significance of this variant remains unclear.